The following is an entry in ClinVar:

ClinVar aggregate classification (germline): Uncertain significance. Review status: criteria provided, multiple submitters, no conflicts (2 of 4 stars). 2 submissions from 2 submitters: Uncertain significance (2). Last evaluated 2025-11-09.

Allele frequency attached by ClinVar (database versions not stated): TOPMed below 0.00001; gnomAD exomes 0.00001 and 0.00002; gnomAD 0.00002; ExAC 0.00003.
gnomAD v4.1: 14 of 1,614,044 alleles (0.00087%); highest among the groups gnomAD compares: East Asian, 0.025%; no homozygotes.

Submissions (2):

Labcorp Genetics (formerly Invitae), Labcorp
Classification: Uncertain significance. Last evaluated: 2025-11-09. Review status: criteria provided, single submitter. Criteria: Invitae Variant Classification Sherloc (09022015). Collection method: clinical testing. Allele origin: germline.
Comment: This sequence change replaces tryptophan, which is neutral and slightly polar, with arginine, which is basic and polar, at codon 729 of the MYLK3 protein (p.Trp729Arg). This variant is present in population databases (rs755058936, gnomAD 0.04%). This variant has not been reported in the literature in individuals affected with MYLK3-related conditions. ClinVar contains an entry for this variant (Variation ID: 1503448). An algorithm developed to predict the effect of missense changes on protein structure and function (PolyPhen-2) suggests that this variant is likely to be disruptive. In summary, the available evidence is currently insufficient to determine the role of this variant in disease. Therefore, it has been classified as a Variant of Uncertain Significance.

Ambry Genetics
Classification: Uncertain significance. Last evaluated: 2023-07-25. Review status: criteria provided, single submitter. Criteria: Ambry Variant Classification Scheme 2023. Collection method: clinical testing. Allele origin: germline.

NM_182493.3(MYLK3):c.2185T>C (p.Trp729Arg)

Gene: MYLK3 (myosin light chain kinase 3; minus strand). Cytogenetic location: 16q11.2.
Variant type: single nucleotide variant.
Coding change: c.2185T>C on transcript NM_182493.3 (MANE Select); coding-DNA position 2185, T replaced by C.
Protein change: p.Trp729Arg; replaces tryptophan 729 with arginine.
Molecular consequence: missense variant.
Genome position (GRCh38, 1-based): chr16:46,710,719, A>G on the plus strand (T>C on the coding strand, the complement: MYLK3 is on the minus strand). VCF-style: chr16-46710719-A-G. GRCh37 (hg19) VCF-style: chr16-46744631-A-G.
Other names: c.2185T>C (NM_182493.2); c.1162T>C, p.Trp388Arg (NM_001308301.1); short protein forms W388R, W729R.
Identifiers: ClinVar variation 1503448 (VCV001503448.10), dbSNP rs755058936, ClinGen allele CA8037656.